The following is an entry in ClinVar:

ClinVar aggregate classification (germline): Likely benign (1 of 4 stars; one submission).

gnomAD v4.1: 413 of 1,614,012 alleles (0.026%); highest among the groups gnomAD compares: South Asian, 0.38%; 3 homozygotes.

Submission:

CeGaT Center for Human Genetics Tuebingen
Classification: Likely benign. Last evaluated: 2025-05-01. Review status: criteria provided, single submitter. Criteria: CeGaT Center For Human Genetics Tuebingen Variant Classification Criteria Version 2. Collection method: clinical testing. Allele origin: germline. Affected: yes. Observed: 1 variant allele.
Comment: KDM4C: BP4, BP7

NM_015061.6(KDM4C):c.3108C>T (p.Ala1036=)

Gene: KDM4C (lysine demethylase 4C; plus strand). Cytogenetic location: 9p24.1.
Variant type: single nucleotide variant.
Coding change: c.3108C>T on transcript NM_015061.6 (MANE Select); coding-DNA position 3108, C replaced by T.
Protein change: p.Ala1036=; no amino-acid change (alanine 1036 retained).
Molecular consequence: synonymous variant. On other transcripts: 3 prime UTR variant (1), non-coding transcript variant (4).
Genome position (GRCh38, 1-based): chr9:7,174,666, C>T. VCF-style: chr9-7174666-C-T. GRCh37 (hg19) VCF-style: chr9-7174666-C-T.
Other names: c.*29C>T (NM_001304339.4); c.2343C>T, p.Ala781= (NM_001304340.4); c.3207C>T, p.Ala1069= (NM_001353997.3); c.1896C>T, p.Ala632= (NM_001353999.3); c.1797C>T, p.Ala599= (NM_001354000.3, NM_001354001.3).
Identifiers: ClinVar variation 3905154 (VCV003905154.10).
Genomic context (GRCh38, chr9:7,174,666, plus strand): 5'-CCAAGGGGAGAGAAAGAGACAAAGAGTGCTGAGCTCCAGGTTTAAGAATGAATATGTGGC[C>T]GACCCTGTATACCGCACTTTTTTGAAGAGCTCTTTCCAGAAGAAGTGCCAGAAGAGACAG-3'
Protein context (NP_055876.2, residues 1026-1046): LSSRFKNEYV[Ala1036=]DPVYRTFLKS